The following is an entry in ClinVar:

NM_030662.4(MAP2K2):c.1117G>C (p.Glu373Gln)

Gene: MAP2K2 (mitogen-activated protein kinase kinase 2; minus strand). Cytogenetic location: 19p13.3.
Variant type: single nucleotide variant.
Coding change: c.1117G>C on transcript NM_030662.4 (MANE Select); coding-DNA position 1117, G replaced by C.
Protein change: p.Glu373Gln; replaces glutamic acid 373 with glutamine.
Molecular consequence: missense variant.
Genome position (GRCh38, 1-based): chr19:4,090,684, C>G on the plus strand (G>C on the coding strand, the complement: MAP2K2 is on the minus strand). VCF-style: chr19-4090684-C-G. GRCh37 (hg19) VCF-style: chr19-4090682-C-G.
Other names: short protein forms E373Q.
Identifiers: ClinVar variation 1973996 (VCV001973996.7), dbSNP rs866048999, ClinGen allele CA403381116.

ClinVar aggregate classification (germline): Uncertain significance. Review status: criteria provided, multiple submitters, no conflicts (2 of 4 stars). 2 submissions from 2 submitters: Uncertain significance (2). Last evaluated 2026-02-20.

Conditions:
RASopathy. Also called: rasopathies; Noonan spectrum disorder. Identifiers: Orphanet 536391, MedGen C5555857, MONDO:0021060.

Submissions (2):

Dasa
Classification: Uncertain significance. Last evaluated: 2026-02-20. Review status: criteria provided, single submitter. Criteria: DASA Assertion Criteria. Collection method: clinical testing. Allele origin: germline.
Comment: NM_030662.4(MAP2K2):c.1117G>C (p.Glu373Gln) is a missense variant that results in the substitution of glutamic acid with glutamine. This variant is rare in population databases. The currently available literature and clinical evidence are not sufficient to establish a definitive association between this variant and the reported condition. Therefore, this variant is classified as a variant of uncertain significance.

Labcorp Genetics (formerly Invitae), Labcorp
Classification: Uncertain significance for RASopathy. Last evaluated: 2025-02-24. Review status: criteria provided, single submitter. Criteria: Invitae Variant Classification Sherloc (09022015). Collection method: clinical testing. Allele origin: germline.
Comment: This sequence change replaces glutamic acid, which is acidic and polar, with glutamine, which is neutral and polar, at codon 373 of the MAP2K2 protein (p.Glu373Gln). This variant is not present in population databases (gnomAD no frequency). This variant has not been reported in the literature in individuals affected with MAP2K2-related conditions. ClinVar contains an entry for this variant (Variation ID: 1973996). Invitae Evidence Modeling of protein sequence and biophysical properties (such as structural, functional, and spatial information, amino acid conservation, physicochemical variation, residue mobility, and thermodynamic stability) indicates that this missense variant is not expected to disrupt MAP2K2 protein function with a negative predictive value of 95%. In summary, the available evidence is currently insufficient to determine the role of this variant in disease. Therefore, it has been classified as a Variant of Uncertain Significance.